The following is an entry in ClinVar:

ClinVar aggregate classification (germline): Uncertain significance (1 of 4 stars; one submission).

Submission:

GeneDx
Classification: Uncertain significance. Last evaluated: 2023-11-07. Review status: criteria provided, single submitter. Criteria: GeneDx Variant Classification Process June 2021. Collection method: clinical testing. Allele origin: germline. Affected: yes.
Comment: Not observed at significant frequency in large population cohorts (gnomAD); In silico analysis supports that this missense variant has a deleterious effect on protein structure/function; Has not been previously published as pathogenic or benign to our knowledge; This variant is associated with the following publications: (PMID: 27311832)

NM_004380.3(CREBBP):c.5341C>T (p.His1781Tyr)

Gene: CREBBP (CREB binding protein; minus strand). Cytogenetic location: 16p13.3.
Variant type: single nucleotide variant.
Coding change: c.5341C>T on transcript NM_004380.3 (MANE Select); coding-DNA position 5341, C replaced by T.
Protein change: p.His1781Tyr; replaces histidine 1781 with tyrosine.
Molecular consequence: missense variant.
Genome position (GRCh38, 1-based): chr16:3,729,706, G>A on the plus strand (C>T on the coding strand, the complement: CREBBP is on the minus strand). VCF-style: chr16-3729706-G-A. GRCh37 (hg19) VCF-style: chr16-3779707-G-A.
Other names: c.5227C>T, p.His1743Tyr (NM_001079846.1); short protein forms H1743Y, H1781Y.
Identifiers: ClinVar variation 3363902 (VCV003363902.1).